The following is an entry in ClinVar:

NM_001375808.2(LPIN2):c.1139C>T (p.Ala380Val)

Gene: LPIN2 (lipin 2; minus strand). Cytogenetic location: 18p11.31.
Variant type: single nucleotide variant.
Coding change: c.1139C>T on transcript NM_001375808.2 (MANE Select); coding-DNA position 1139, C replaced by T.
Protein change: p.Ala380Val; replaces alanine 380 with valine.
Molecular consequence: missense variant.
Genome position (GRCh38, 1-based): chr18:2,937,721, G>A on the plus strand (C>T on the coding strand, the complement: LPIN2 is on the minus strand). VCF-style: chr18-2937721-G-A. GRCh37 (hg19) VCF-style: chr18-2937719-G-A.
Other names: c.1139C>T, p.Ala380Val (NM_001375809.1, NM_014646.2); short protein forms A380V.
Identifiers: ClinVar variation 4696727 (VCV004696727.1).

ClinVar aggregate classification (germline): Uncertain significance (1 of 4 stars; one submission).

Conditions:
Majeed syndrome (MJDS). Also called: LPIN2-Related Majeed Syndrome; CHRONIC RECURRENT MULTIFOCAL OSTEOMYELITIS 1, WITH CONGENITAL DYSERYTHROPOIETIC ANEMIA, WITH OR WITHOUT NEUTROPHILIC DERMATOSIS. Identifiers: Orphanet 77297, MedGen C1864997, MONDO:0012316, OMIM 609628.

Submission:

Labcorp Genetics (formerly Invitae), Labcorp
Classification: Uncertain significance for Majeed syndrome. Last evaluated: 2025-10-20. Review status: criteria provided, single submitter. Criteria: Invitae Variant Classification Sherloc (09022015). Collection method: clinical testing. Allele origin: germline.
Comment: This sequence change replaces alanine, which is neutral and non-polar, with valine, which is neutral and non-polar, at codon 380 of the LPIN2 protein (p.Ala380Val). This variant is not present in population databases (gnomAD no frequency). This variant has not been reported in the literature in individuals affected with LPIN2-related conditions. Invitae Evidence Modeling of protein sequence and biophysical properties (such as structural, functional, and spatial information, amino acid conservation, physicochemical variation, residue mobility, and thermodynamic stability) indicates that this missense variant is not expected to disrupt LPIN2 protein function with a negative predictive value of 80%. In summary, the available evidence is currently insufficient to determine the role of this variant in disease. Therefore, it has been classified as a Variant of Uncertain Significance.